The following is an entry in ClinVar:

NM_004612.4(TGFBR1):c.49C>T (p.Leu17=)

Gene: TGFBR1 (transforming growth factor beta receptor 1; plus strand). Cytogenetic location: 9q22.33.
Variant type: single nucleotide variant.
Coding change: c.49C>T on transcript NM_004612.4 (MANE Select); coding-DNA position 49, C replaced by T.
Protein change: p.Leu17=; no amino-acid change (leucine 17 retained).
Molecular consequence: synonymous variant.
Genome position (GRCh38, 1-based): chr9:99,105,254, C>T. VCF-style: chr9-99105254-C-T. GRCh37 (hg19) VCF-style: chr9-101867536-C-T.
Other names: c.49C>T (NM_004612.3); c.49C>T, p.Leu17= (NM_001130916.3, NM_001306210.2).
Identifiers: ClinVar variation 239962 (VCV000239962.63), dbSNP rs878854714, ClinGen allele CA10582695.
Genomic context (GRCh38, chr9:99,105,254, plus strand): 5'-GGCGGCGGGACCATGGAGGCGGCGGTCGCTGCTCCGCGTCCCCGGCTGCTCCTCCTCGTG[C>T]TGGCGGCGGCGGCGGCGGCGGCGGCGGCGCTGCTCCCGGGGGCGACGGGTGAGCGGCGGC-3'
Protein context (NP_004603.1, residues 7-27): APRPRLLLLV[Leu17=]AAAAAAAAAL

ClinVar aggregate classification (germline): Conflicting classifications of pathogenicity. Review status: criteria provided, conflicting classifications (1 of 4 stars). 10 submissions from 10 submitters: Uncertain significance (2); Likely benign (7). 1 of the submissions does not count toward it. Last evaluated 2025-12-29.

Conditions:
TGFBR1-related disorder. Also called: TGFBR1-related condition.
Familial thoracic aortic aneurysm and aortic dissection (TAAD). Also called: Thoracic aortic aneurysms and dissections. Identifiers: Orphanet 91387, MedGen C4707243, MONDO:0019625.
Loeys-Dietz syndrome 1 (LDS1). Also called: FURLONG SYNDROME; TGFBR1-Related Loeys-Dietz Syndrome; AORTIC ANEURYSM, FAMILIAL THORACIC 5. Identifiers: Orphanet 60030, MedGen C4551955, MONDO:0012212, OMIM 609192.

Allele frequency attached by ClinVar (database versions not stated): gnomAD exomes 0.00017; gnomAD 0.00020; TOPMed 0.00027.

Submissions (10):

Labcorp Genetics (formerly Invitae), Labcorp
Classification: Likely benign for Familial thoracic aortic aneurysm and aortic dissection. Last evaluated: 2025-12-29. Review status: criteria provided, single submitter. Criteria: Invitae Variant Classification Sherloc (09022015). Collection method: clinical testing. Allele origin: germline.

ARUP Laboratories, Molecular Genetics and Genomics, ARUP Laboratories
Classification: Likely benign. Last evaluated: 2025-02-26. Review status: criteria provided, single submitter. Criteria: ARUP Molecular Germline Variant Investigation Process 2024. Collection method: clinical testing. Allele origin: germline.

Women's Health and Genetics/Laboratory Corporation of America, LabCorp
Classification: Likely benign. Last evaluated: 2023-03-06. Review status: criteria provided, single submitter. Criteria: LabCorp Variant Classification Summary - May 2015. Collection method: clinical testing. Allele origin: germline.

Blueprint Genetics
Classification: Likely benign. Last evaluated: 2023-02-06. Review status: criteria provided, single submitter. Criteria: ACMG Guidelines, 2015. Collection method: clinical testing. Allele origin: germline.

Ambry Genetics
Classification: Likely benign for Familial thoracic aortic aneurysm and aortic dissection. Last evaluated: 2021-06-28. Review status: criteria provided, single submitter. Criteria: Ambry Variant Classification Scheme 2023. Collection method: clinical testing. Allele origin: germline.

GeneDx
Classification: Likely benign. Last evaluated: 2020-11-27. Review status: criteria provided, single submitter. Criteria: GeneDx Variant Classification Process June 2021. Collection method: clinical testing. Allele origin: germline. Affected: yes.

CHEO Genetics Diagnostic Laboratory, Children's Hospital of Eastern Ontario
Classification: Likely benign for Familial thoracic aortic aneurysm and aortic dissection. Last evaluated: 2018-02-14. Review status: criteria provided, single submitter. Criteria: ACMG Guidelines, 2015. Collection method: clinical testing. Allele origin: germline.

Illumina Laboratory Services, Illumina
Classification: Uncertain significance for Loeys-Dietz syndrome 1. Last evaluated: 2017-04-28. Review status: criteria provided, single submitter. Criteria: ICSL Variant Classification Criteria 13 December 2019. Collection method: clinical testing. Allele origin: germline.

CeGaT Center for Human Genetics Tuebingen
Classification: Uncertain significance. Last evaluated: 2016-10-01. Review status: criteria provided, single submitter. Criteria: CeGaT Center For Human Genetics Tuebingen Variant Classification Criteria Version 2. Collection method: clinical testing. Allele origin: germline. Affected: yes. Observed: 1 variant allele.

PreventionGenetics, part of Exact Sciences
Classification: Likely benign for TGFBR1-related condition. Last evaluated: 2022-12-10. Review status: no assertion criteria provided. Collection method: clinical testing. Allele origin: germline. Not counted in ClinVar's aggregate classification.
Comment: This variant is classified as likely benign based on ACMG/AMP sequence variant interpretation guidelines (Richards et al. 2015 PMID: 25741868, with internal and published modifications).